The following is an entry in ClinVar:

NM_007215.4(POLG2):c.1192-6_1192-3del

Genes: MILR1 (mast cell immunoglobulin like receptor 1; plus strand), POLG2 (DNA polymerase gamma 2, accessory subunit; minus strand). Cytogenetic location: 17q23.3.
Variant type: Microsatellite.
Coding change: c.1192-6_1192-3del on transcript NM_007215.4 (MANE Select); 6 bases into the intron before coding-DNA position 1192 through 3 bases into the intron before coding-DNA position 1192, 4 bases deleted (TTCT; older notation c.1192-6_1192-3delTTCT).
Molecular consequence: intron variant.
Genome position (GRCh38, 1-based): chr17:64,480,392-64,480,395, AGAA deleted on the plus strand (TTCT on the coding strand, the reverse complement: POLG2 is on the minus strand); deleting any 4 consecutive bases within chr17:64,480,392-64,480,400 gives the same sequence; the c. name uses the placement nearest the transcript's 3' end. VCF-style (leftmost placement, unchanged base first): chr17-64480391-TAGAA-T. GRCh37 (hg19) VCF-style: chr17-62476508-TAGAA-T.
Other names: c.1192-6_1192-3delTTCT (NM_007215.3).
Identifiers: ClinVar variation 419486 (VCV000419486.6), dbSNP rs781856879, ClinGen allele CA8712804.

ClinVar aggregate classification (germline): Likely benign. Review status: criteria provided, multiple submitters, no conflicts (2 of 4 stars). 2 submissions from 2 submitters: Likely benign (2). Last evaluated 2025-09-28.

Submissions (2):

Labcorp Genetics (formerly Invitae), Labcorp
Classification: Likely benign. Last evaluated: 2025-09-28. Review status: criteria provided, single submitter. Criteria: Invitae Variant Classification Sherloc (09022015). Collection method: clinical testing. Allele origin: germline.

GeneDx
Classification: Likely benign. Last evaluated: 2015-07-21. Review status: criteria provided, single submitter. Criteria: GeneDx Variant Classification (06012015). Collection method: clinical testing. Allele origin: germline. Affected: yes.
Comment: This variant is considered likely benign or benign based on one or more of the following criteria: it is a conservative change, it occurs at a poorly conserved position in the protein, it is predicted to be benign by multiple in silico algorithms, and/or has population frequency not consistent with disease.